The following is an entry in ClinVar:

NM_006302.3(MOGS):c.330C>G (p.Arg110=)

Gene: MOGS (mannosyl-oligosaccharide glucosidase; minus strand). Cytogenetic location: 2p13.1.
Variant type: single nucleotide variant.
Coding change: c.330C>G on transcript NM_006302.3 (MANE Select); coding-DNA position 330, C replaced by G.
Protein change: p.Arg110=; no amino-acid change (arginine 110 retained).
Molecular consequence: synonymous variant.
Genome position (GRCh38, 1-based): chr2:74,464,918, G>C on the plus strand (C>G on the coding strand, the complement: MOGS is on the minus strand). VCF-style: chr2-74464918-G-C. GRCh37 (hg19) VCF-style: chr2-74692045-G-C.
Other names: c.330C>G, p.Arg110= (LRG_1226t1); c.12C>G, p.Arg4= (NM_001146158.2).
Identifiers: ClinVar variation 512311 (VCV000512311.9), dbSNP rs753435188, ClinGen allele CA1725075.
Genomic context (GRCh38, chr2:74,464,918, plus strand): 5'-AGGAGTCCGCCTGCCTGCCCGCCCTGGGGCCCGGTTACCGGTGAGGAGGGGCTTCGGGCT[G>C]CGGGTCTTCATGCCGAAGTAGACGTGAGGGCGGTAGGTTCCCCAGAAGAGGTCCGGGGCC-3'
Protein context (NP_006293.2, residues 100-120): RPHVYFGMKT[Arg110=]SPKPLLTGLM

ClinVar aggregate classification (germline): Likely benign. Review status: criteria provided, multiple submitters, no conflicts (2 of 4 stars). 2 submissions from 2 submitters: Likely benign (2). Last evaluated 2025-09-10.

Conditions:
MOGS-congenital disorder of glycosylation. Also called: CDG IIb; MOGS-CDG; GLUCOSIDASE I DEFICIENCY; CDG 2B. Identifiers: Orphanet 79330, MedGen C1853736, MONDO:0011629, OMIM 606056.

Allele frequency attached by ClinVar (database versions not stated): gnomAD exomes 0.00002 and 0.00003; ExAC 0.00003; TOPMed 0.00003; gnomAD 0.00004.

Submissions (2):

Labcorp Genetics (formerly Invitae), Labcorp
Classification: Likely benign for MOGS-congenital disorder of glycosylation. Last evaluated: 2025-09-10. Review status: criteria provided, single submitter. Criteria: Invitae Variant Classification Sherloc (09022015). Collection method: clinical testing. Allele origin: germline.

GeneDx
Classification: Likely benign. Last evaluated: 2017-10-12. Review status: criteria provided, single submitter. Criteria: GeneDx Variant Classification (06012015). Collection method: clinical testing. Allele origin: germline. Affected: yes.
Comment: This variant is considered likely benign or benign based on one or more of the following criteria: it is a conservative change, it occurs at a poorly conserved position in the protein, it is predicted to be benign by multiple in silico algorithms, and/or has population frequency not consistent with disease.